The following is an entry in ClinVar:

ClinVar aggregate classification (germline): Uncertain significance (1 of 4 stars; one submission).

Allele frequency attached by ClinVar (database versions not stated): gnomAD exomes below 0.00001.
gnomAD v4.1: 1 of 1,612,614 alleles (0.000062%); highest among the groups gnomAD compares: Non-Finnish European, 0.000085%; no homozygotes.

Submission:

Labcorp Genetics (formerly Invitae), Labcorp
Classification: Uncertain significance. Last evaluated: 2022-07-19. Review status: criteria provided, single submitter. Criteria: Invitae Variant Classification Sherloc (09022015). Collection method: clinical testing. Allele origin: germline.
Comment: In summary, the available evidence is currently insufficient to determine the role of this variant in disease. Therefore, it has been classified as a Variant of Uncertain Significance. Algorithms developed to predict the effect of sequence changes on RNA splicing suggest that this variant may create or strengthen a splice site. Algorithms developed to predict the effect of missense changes on protein structure and function output the following: SIFT: "Tolerated"; PolyPhen-2: "Benign"; Align-GVGD: "Class C0". The valine amino acid residue is found in multiple mammalian species, which suggests that this missense change does not adversely affect protein function. ClinVar contains an entry for this variant (Variation ID: 852450). This variant has not been reported in the literature in individuals affected with ZNF408-related conditions. This variant is present in population databases (no rsID available, gnomAD 0.0009%). This sequence change replaces methionine, which is neutral and non-polar, with valine, which is neutral and non-polar, at codon 705 of the ZNF408 protein (p.Met705Val).

NM_024741.3(ZNF408):c.2113A>G (p.Met705Val)

Gene: ZNF408 (zinc finger protein 408; plus strand). Cytogenetic location: 11p11.2.
Variant type: single nucleotide variant.
Coding change: c.2113A>G on transcript NM_024741.3 (MANE Select); coding-DNA position 2113, A replaced by G.
Protein change: p.Met705Val; replaces methionine 705 with valine.
Molecular consequence: missense variant.
Genome position (GRCh38, 1-based): chr11:46,705,813, A>G. VCF-style: chr11-46705813-A-G. GRCh37 (hg19) VCF-style: chr11-46727363-A-G.
Other names: c.2089A>G, p.Met697Val (NM_001184751.2); short protein forms M697V, M705V.
Identifiers: ClinVar variation 852450 (VCV000852450.9), dbSNP rs1228854698, ClinGen allele CA380258215.